The following is an entry in ClinVar:

NM_016151.4(TAOK2):c.1848G>A (p.Gln616=)

Gene: TAOK2 (TAO kinase 2; plus strand). Cytogenetic location: 16p11.2.
Variant type: single nucleotide variant.
Coding change: c.1848G>A on transcript NM_016151.4 (MANE Select); coding-DNA position 1848, G replaced by A.
Protein change: p.Gln616=; no amino-acid change (glutamine 616 retained).
Molecular consequence: synonymous variant.
Genome position (GRCh38, 1-based): chr16:29,985,717, G>A. VCF-style: chr16-29985717-G-A. GRCh37 (hg19) VCF-style: chr16-29997038-G-A.
Other names: c.1848G>A (NM_016151.3); c.1848G>A, p.Gln616= (NM_001252043.2, NM_004783.4).
Identifiers: ClinVar variation 1575310 (VCV001575310.10), dbSNP rs760941502, ClinGen allele CA7998236.
Genomic context (GRCh38, chr16:29,985,717, plus strand): 5'-GGAGCTCCAGGAGAACCCCAGCACTCCCAAGCGGGAGAAGGCCGAGTGGCTGCTGCGGCA[G>A]AAGGAGCAGCTCCAGCAGTGCCAGGCGGAGGAGGAAGCAGGGCTGCTGCGGCGGCAGCGC-3'
Protein context (NP_057235.2, residues 606-626): KREKAEWLLR[Gln616=]KEQLQQCQAE

ClinVar aggregate classification (germline): Likely benign. Review status: criteria provided, single submitter (1 of 4 stars). 2 submissions from 2 submitters: Likely benign (1). 1 of the submissions does not count toward it. Last evaluated 2025-12-16.

Conditions:
TAOK2-related disorder. Also called: TAOK2-related condition.

Allele frequency attached by ClinVar (database versions not stated): gnomAD 0.00002 and 0.00004; TOPMed 0.00006; gnomAD exomes 0.00007 and 0.00010; ExAC 0.00013.

Submissions (2):

Labcorp Genetics (formerly Invitae), Labcorp
Classification: Likely benign. Last evaluated: 2025-12-16. Review status: criteria provided, single submitter. Criteria: Invitae Variant Classification Sherloc (09022015). Collection method: clinical testing. Allele origin: germline.

PreventionGenetics, part of Exact Sciences
Classification: Likely benign for TAOK2-related condition. Last evaluated: 2019-04-02. Review status: no assertion criteria provided. Collection method: clinical testing. Allele origin: germline. Not counted in ClinVar's aggregate classification.
Comment: This variant is classified as likely benign based on ACMG/AMP sequence variant interpretation guidelines (Richards et al. 2015 PMID: 25741868, with internal and published modifications).